The following is an entry in ClinVar:

ClinVar aggregate classification (germline): Benign/Likely benign. Review status: criteria provided, multiple submitters, no conflicts (2 of 4 stars). 5 submissions from 5 submitters: Benign (1); Likely benign (4). Last evaluated 2025-06-04.

Conditions:
Hereditary cancer-predisposing syndrome. Also called: Neoplastic Syndromes, Hereditary; Hereditary neoplastic syndrome; Tumor predisposition; Hereditary Cancer Syndrome. Identifiers: Orphanet 140162, MedGen C0027672, MeSH D009386, MONDO:0015356.
Tuberous sclerosis syndrome (TSC). Also called: Tuberous Sclerosis Complex; Tuberous sclerosis. Identifiers: Orphanet 805, MedGen C0041341, MONDO:0001734.
Tuberous sclerosis 2 (TSC2). Identifiers: Orphanet 805, MedGen C1860707, MONDO:0013199, OMIM 613254.

Allele frequency attached by ClinVar (database versions not stated): gnomAD exomes below 0.00001 and 0.00001; ExAC 0.00001.
gnomAD v4.1: 2 of 1,614,028 alleles (0.00012%); highest among the groups gnomAD compares: South Asian, 0.0022%; no homozygotes.

Submissions (5):

Labcorp Genetics (formerly Invitae), Labcorp
Classification: Likely benign for Tuberous sclerosis 2. Last evaluated: 2025-06-04. Review status: criteria provided, single submitter. Criteria: Invitae Variant Classification Sherloc (09022015). Collection method: clinical testing. Allele origin: germline.

Myriad Genetics, Inc.
Classification: Benign for Tuberous sclerosis 2. Last evaluated: 2025-05-08. Review status: criteria provided, single submitter. Criteria: Myriad Autosomal Dominant, Autosomal Recessive and X-Linked Classification Criteria (2023). Collection method: clinical testing. Allele origin: unknown.
Comment: This variant is considered benign. This variant is a silent/synonymous amino acid change and it is not expected to impact splicing.

All of Us Research Program, National Institutes of Health
Classification: Likely benign for Tuberous sclerosis syndrome. Last evaluated: 2024-08-13. Review status: criteria provided, single submitter. Criteria: ACMG Guidelines, 2015. Collection method: clinical testing. Allele origin: germline. Inheritance: Autosomal dominant inheritance. Observed: 1 variant allele, 1 heterozygote.
Comment: This study involves interpretation of variants in research participants for the purpose of population health screening. Participant phenotype was not available at the time of variant classification. Additional details can be found in publication PMID: 35346344, PMCID: PMC8962531

Ambry Genetics
Classification: Likely benign for Hereditary cancer-predisposing syndrome. Last evaluated: 2022-05-17. Review status: criteria provided, single submitter. Criteria: Ambry Variant Classification Scheme 2023. Collection method: clinical testing. Allele origin: germline.

Sema4
Classification: Likely benign for Hereditary cancer-predisposing syndrome. Last evaluated: 2022-03-17. Review status: criteria provided, single submitter. Criteria: Sema4 Curation Guidelines. Collection method: curation. Allele origin: germline.

NM_000548.5(TSC2):c.642C>T (p.Asp214=)

Gene: TSC2 (TSC complex subunit 2; plus strand). Cytogenetic location: 16p13.3.
Variant type: single nucleotide variant.
Coding change: c.642C>T on transcript NM_000548.5 (MANE Select); coding-DNA position 642, C replaced by T.
Protein change: p.Asp214=; no amino-acid change (aspartic acid 214 retained).
Molecular consequence: synonymous variant.
Genome position (GRCh38, 1-based): chr16:2,056,238, C>T. VCF-style: chr16-2056238-C-T. GRCh37 (hg19) VCF-style: chr16-2106239-C-T.
Other names: c.642C>T, p.Asp214= (NM_001077183.3, NM_001114382.3, NM_001363528.2 and 3 more transcripts); c.531C>T, p.Asp177= (NM_001318827.2); c.495C>T, p.Asp165= (NM_001318829.2); c.42C>T, p.Asp14= (NM_001318831.2); c.675C>T, p.Asp225= (NM_001318832.2).
Identifiers: ClinVar variation 1134549 (VCV001134549.14), dbSNP rs763726222, ClinGen allele CA055865.